The following is an entry in ClinVar:

NM_001999.4(FBN2):c.1885A>G (p.Asn629Asp)

Gene: FBN2 (fibrillin 2; minus strand). Cytogenetic location: 5q23.3.
Variant type: single nucleotide variant.
Coding change: c.1885A>G on transcript NM_001999.4 (MANE Select); coding-DNA position 1885, A replaced by G.
Protein change: p.Asn629Asp; replaces asparagine 629 with aspartic acid.
Molecular consequence: missense variant.
Genome position (GRCh38, 1-based): chr5:128,376,818, T>C on the plus strand (A>G on the coding strand, the complement: FBN2 is on the minus strand). VCF-style: chr5-128376818-T-C. GRCh37 (hg19) VCF-style: chr5-127712511-T-C.
Other names: short protein forms N629D.
Identifiers: ClinVar variation 213280 (VCV000213280.16), dbSNP rs863223554, ClinGen allele CA322315.

ClinVar aggregate classification (germline): Conflicting classifications of pathogenicity. Review status: criteria provided, conflicting classifications (1 of 4 stars). 3 submissions from 3 submitters: Uncertain significance (2); Likely benign (1). Last evaluated 2026-01-21.

Conditions:
Familial thoracic aortic aneurysm and aortic dissection (TAAD). Also called: Thoracic aortic aneurysms and dissections. Identifiers: Orphanet 91387, MedGen C4707243, MONDO:0019625.
Congenital contractural arachnodactyly (CCA). Also called: Beals-Hecht syndrome; BEALS SYNDROME; Arthrogryposis, distal, type 9. Identifiers: Orphanet 115, MedGen C0220668, MONDO:0007363, OMIM 121050.

Allele frequency attached by ClinVar (database versions not stated): gnomAD exomes below 0.00001; TOPMed 0.00003; gnomAD 0.00005.
gnomAD v4.1: 13 of 1,613,494 alleles (0.00081%); highest among the groups gnomAD compares: African/African-American, 0.0013%; no homozygotes.

Submissions (3):

Labcorp Genetics (formerly Invitae), Labcorp
Classification: Likely benign for Congenital contractural arachnodactyly. Last evaluated: 2026-01-21. Review status: criteria provided, single submitter. Criteria: Invitae Variant Classification Sherloc (09022015). Collection method: clinical testing. Allele origin: germline.

GeneDx
Classification: Uncertain significance. Last evaluated: 2025-10-22. Review status: criteria provided, single submitter. Criteria: GeneDx Variant Classification Process June 2021. Collection method: clinical testing. Allele origin: germline. Affected: yes.
Comment: Not observed at significant frequency in large population cohorts (gnomAD); In silico analysis supports that this missense variant has a deleterious effect on protein structure/function; Has not been previously published as pathogenic or benign to our knowledge

Ambry Genetics
Classification: Uncertain significance for Familial thoracic aortic aneurysm and aortic dissection. Last evaluated: 2024-12-02. Review status: criteria provided, single submitter. Criteria: Ambry Variant Classification Scheme 2023. Collection method: clinical testing. Allele origin: germline.
Comment: The p.N629D variant (also known as c.1885A>G), located in coding exon 14 of the FBN2 gene, results from an A to G substitution at nucleotide position 1885. The asparagine at codon 629 is replaced by aspartic acid, an amino acid with highly similar properties, and is located in the cbEGF-like #06 domain. This amino acid position is highly conserved in available vertebrate species. In addition, the in silico prediction for this alteration is inconclusive. Since supporting evidence is limited at this time, the clinical significance of this alteration remains unclear.